The following is an entry in ClinVar:

NM_014159.7(SETD2):c.920C>A (p.Ser307Tyr)

Gene: SETD2 (SET domain containing 2, histone lysine methyltransferase; minus strand). Cytogenetic location: 3p21.31.
Variant type: single nucleotide variant.
Coding change: c.920C>A on transcript NM_014159.7 (MANE Select); coding-DNA position 920, C replaced by A.
Protein change: p.Ser307Tyr; replaces serine 307 with tyrosine.
Molecular consequence: missense variant. On other transcripts: non-coding transcript variant (1).
Genome position (GRCh38, 1-based): chr3:47,123,716, G>T on the plus strand (C>A on the coding strand, the complement: SETD2 is on the minus strand). VCF-style: chr3-47123716-G-T. GRCh37 (hg19) VCF-style: chr3-47165206-G-T.
Other names: c.788C>A, p.Ser263Tyr (NM_001349370.3); short protein forms S307Y, S263Y.
Identifiers: ClinVar variation 583033 (VCV000583033.1), dbSNP rs1303561180, ClinGen allele CA352533233.

ClinVar aggregate classification (germline): Uncertain significance (1 of 4 stars; one submission).

Conditions:
Luscan-Lumish syndrome. Identifiers: Orphanet 597738, MedGen C4085873, MONDO:0014791, OMIM 616831.

Allele frequency attached by ClinVar (database versions not stated): TOPMed 0.00001; gnomAD exomes 0.00001.
gnomAD v4.1: 2 of 1,551,332 alleles (0.00013%); highest among the groups gnomAD compares: Admixed American, 0.0039%; no homozygotes.

Submission:

Labcorp Genetics (formerly Invitae), Labcorp
Classification: Uncertain significance for Luscan-lumish syndrome. Last evaluated: 2018-02-27. Review status: criteria provided, single submitter. Criteria: Invitae Variant Classification Sherloc (09022015). Collection method: clinical testing. Allele origin: germline.
Comment: This sequence change replaces serine with tyrosine at codon 307 of the SETD2 protein (p.Ser307Tyr). The serine residue is highly conserved and there is a large physicochemical difference between serine and tyrosine. This variant is not present in population databases (ExAC no frequency). This variant has not been reported in the literature in individuals with SETD2-related disease. Algorithms developed to predict the effect of missense changes on protein structure and function do not agree on the potential impact of this missense change (SIFT: "Deleterious"; PolyPhen-2: "Probably Damaging"; Align-GVGD: "Class C0"). Algorithms developed to predict the effect of sequence changes on RNA splicing suggest that this variant may create or strengthen a splice site, but this prediction has not been confirmed by published transcriptional studies. In summary, the available evidence is currently insufficient to determine the role of this variant in disease. Therefore, it has been classified as a Variant of Uncertain Significance.